The following is an entry in ClinVar:

NM_032578.4(MYPN):c.1399G>A (p.Glu467Lys)

Gene: MYPN (myopalladin; plus strand). Cytogenetic location: 10q21.3.
Variant type: single nucleotide variant.
Coding change: c.1399G>A on transcript NM_032578.4 (MANE Select); coding-DNA position 1399, G replaced by A.
Protein change: p.Glu467Lys; replaces glutamic acid 467 with lysine.
Molecular consequence: missense variant. On other transcripts: non-coding transcript variant (2).
Genome position (GRCh38, 1-based): chr10:68,158,567, G>A. VCF-style: chr10-68158567-G-A. GRCh37 (hg19) VCF-style: chr10-69918324-G-A.
Other names: p.E467K:GAG>AAG; c.1399G>A, p.Glu467Lys (NM_001256267.2); c.517G>A, p.Glu173Lys (NM_001256268.2); short protein forms E467K, E173K.
Identifiers: ClinVar variation 31827 (VCV000031827.30), dbSNP rs74143030, ClinGen allele CA200017.
Genomic context (GRCh38, chr10:68,158,567, plus strand): 5'-TCTGAGGGTCAGCTGGTTGTCTTTGAATGCAGAGTAAAAGGAGCTCCATCTCCTAAGGTT[G>A]AGTGGTATAGAGAAGGGACTTTAATAGAAGATTCTCCAGATTTTAGGATTTTACAGAAAA-3'
Protein context (NP_115967.2, residues 457-477): RVKGAPSPKV[Glu467Lys]WYREGTLIED

ClinVar aggregate classification (germline): Benign. Review status: criteria provided, multiple submitters, no conflicts (2 of 4 stars). 13 submissions from 13 submitters: Benign (9). 4 of the submissions do not count toward it. Last evaluated 2026-02-03.

Conditions:
Cardiovascular phenotype. Identifiers: MedGen CN230736.
Dilated cardiomyopathy 1KK (CMD1KK). Identifiers: Orphanet 154, Orphanet 75249, MedGen C3714995, MONDO:0014100, OMIM 615248.

Allele frequency attached by ClinVar (database versions not stated): ExAC 0.01370; gnomAD 0.04027 and 0.04308; TOPMed 0.04605; 1000 Genomes Project 0.04852; ESP Exome Variant Server 0.04936; 1000 Genomes Project 30x 0.05325.
gnomAD v4.1: 12,440 of 1,610,680 alleles (0.77%); highest among the groups gnomAD compares: African/African-American, 14%; 761 homozygotes.

Submissions (15):

Labcorp Genetics (formerly Invitae), Labcorp
Classification: Benign for Dilated cardiomyopathy 1KK. Last evaluated: 2026-02-03. Review status: criteria provided, single submitter. Criteria: Invitae Variant Classification Sherloc (09022015). Collection method: clinical testing. Allele origin: germline.

Mayo Clinic Laboratories, Mayo Clinic
Classification: Benign. Last evaluated: 2022-03-24. Review status: criteria provided, single submitter. Criteria: ACMG Guidelines, 2015. Collection method: clinical testing. Allele origin: germline. Observed: 53 variant alleles.

Genome Diagnostics Laboratory, University Medical Center Utrecht
Classification: Benign for Dilated cardiomyopathy 1KK. Last evaluated: 2016-10-19. Review status: criteria provided, single submitter. Criteria: ACGS Guidelines, 2013. Collection method: clinical testing. Allele origin: germline. Affected: yes. Study: VKGL Data-share Consensus.

Clinical Genetics DNA and cytogenetics Diagnostics Lab, Erasmus MC, Erasmus Medical Center
Classification: Benign for Dilated cardiomyopathy 1KK. Last evaluated: 2015-09-21. Review status: criteria provided, single submitter. Criteria: ACGS Guidelines, 2013. Collection method: clinical testing. Allele origin: germline. Affected: yes. Study: VKGL Data-share Consensus.

Ambry Genetics
Classification: Benign for Cardiovascular phenotype. Last evaluated: 2015-06-26. Review status: criteria provided, single submitter. Criteria: Ambry Variant Classification Scheme 2023. Collection method: clinical testing. Allele origin: germline.

Laboratory for Molecular Medicine, Mass General Brigham Personalized Medicine
Classification: Benign. Last evaluated: 2015-01-13. Review status: criteria provided, single submitter. Criteria: LMM Criteria. Collection method: clinical testing. Allele origin: germline. Observed: 22 variant alleles.
Comment: p.Glu467Lys in exon 8 of MYPN: This variant is not expected to have clinical sig nificance because it has been identified in 14.4% (636/4406) of African American chromosomes from a broad population by the NHLBI Exome Sequencing Project (dbSNP rs74143030).

GeneDx
Classification: Benign. Last evaluated: 2013-12-10. Review status: criteria provided, single submitter. Criteria: GeneDx Variant Classification (06012015). Collection method: clinical testing. Allele origin: germline. Affected: yes.
Comment: This variant is considered likely benign or benign based on one or more of the following criteria: it is a conservative change, it occurs at a poorly conserved position in the protein, it is predicted to be benign by multiple in silico algorithms, and/or has population frequency not consistent with disease.

Biesecker Lab/Clinical Genomics Section, National Institutes of Health
Classification: Benign. Last evaluated: 2013-06-24. Review status: criteria provided, single submitter. Criteria: Ng et al. (Circ Cardiovasc Genet. 2013). Collection method: research. Allele origin: unknown. Observed: 8 variant alleles. Study: ClinSeq.
Comment: The study set was not selected for affection status in relation to any cancer. Pathogenicity categories were based on literature curation. See Pubmed ID:23861362 for details.

Medical sequencing

Breakthrough Genomics
Classification: Benign. Review status: criteria provided, single submitter. Criteria: ACMG Guidelines, 2015. Collection method: not provided. Allele origin: germline. Inheritance: Autosomal recessive inheritance. Affected: yes.

Leiden Muscular Dystrophy (MYPN)
No classification provided. Last evaluated: 2012-04-27. Review status: no classification provided. Collection method: curation. Allele origin: germline. Not counted in ClinVar's aggregate classification.

Clinical Genetics, Academic Medical Center
Classification: Benign. Review status: no assertion criteria provided. Collection method: clinical testing. Allele origin: germline. Affected: yes. Study: VKGL Data-share Consensus. Not counted in ClinVar's aggregate classification.

Dr. Peter K. Rogan Lab, Western University
No classification provided (evidence only). Condition: Clear cell carcinoma of kidney. Review status: no classification provided. Collection method: in vitro. Allele origin: not applicable. Functional consequence: retained intron. Not counted in ClinVar's aggregate classification.

Dr. Peter K. Rogan Lab, Western University
No classification provided (evidence only). Condition: Sarcoma. Review status: no classification provided. Collection method: in vitro. Allele origin: not applicable. Functional consequence: retained intron. Not counted in ClinVar's aggregate classification.

Joint Genome Diagnostic Labs from Nijmegen and Maastricht, Radboudumc and MUMC+
Classification: Benign. Review status: no assertion criteria provided. Collection method: clinical testing. Allele origin: germline. Affected: yes. Study: VKGL Data-share Consensus. Not counted in ClinVar's aggregate classification.

Laboratory of Diagnostic Genome Analysis, Leiden University Medical Center (LUMC)
Classification: Benign. Review status: no assertion criteria provided. Collection method: clinical testing. Allele origin: germline. Affected: yes. Study: VKGL Data-share Consensus. Not counted in ClinVar's aggregate classification.